The following is an entry in ClinVar:

ClinVar aggregate classification (germline): Likely benign. Review status: reviewed by expert panel (3 of 4 stars). 5 submissions from 5 submitters: Likely benign (1). 4 of the submissions do not count toward it. Last evaluated 2017-06-29.

Conditions:
Hereditary cancer-predisposing syndrome. Also called: Neoplastic Syndromes, Hereditary; Tumor predisposition; Hereditary Cancer Syndrome; Hereditary neoplastic syndrome. Identifiers: Orphanet 140162, MedGen C0027672, MeSH D009386, MONDO:0015356.
Hereditary breast ovarian cancer syndrome. Also called: Hereditary breast and ovarian cancer syndrome; Hereditary breast and ovarian cancer; Hereditary breast and ovarian cancer syndrome (HBOC); Breast and ovarian cancer; Hereditary breast and/or ovarian cancer syndrome; BRCA1- and BRCA2-Associated Hereditary Breast and Ovarian Cancer. Identifiers: Orphanet 145, MedGen C0677776, MeSH D061325, MONDO:0003582. Disease mechanism: loss of function.
Breast-ovarian cancer, familial, susceptibility to, 2 (BROVCA2). Also called: BRCA2 Hereditary Breast and Ovarian Cancer. Identifiers: Orphanet 145, MedGen C2675520, MONDO:0012933, OMIM 612555. Disease mechanism: loss of function.

gnomAD v4.1: 1 of 1,613,838 alleles (0.000062%); highest among the groups gnomAD compares: East Asian, 0.0022%; no homozygotes.

Submissions (5):

Evidence-based Network for the Interpretation of Germline Mutant Alleles (ENIGMA)
Classification: Likely benign for Breast-ovarian cancer, familial, susceptibility to, 2. Last evaluated: 2017-06-29. Review status: reviewed by expert panel. Criteria: ENIGMA BRCA1/2 Classification Criteria (2017-06-29). Collection method: curation. Allele origin: germline.
Comment: Synonymous substitution variant, with low bioinformatic likelihood to result in a splicing aberration (Splicing prior probability 0.02).

Labcorp Genetics (formerly Invitae), Labcorp
Classification: Likely benign for Hereditary breast ovarian cancer syndrome. Last evaluated: 2025-11-04. Review status: criteria provided, single submitter. Criteria: Invitae Variant Classification Sherloc (09022015). Collection method: clinical testing. Allele origin: germline. Not counted in ClinVar's aggregate classification.

Color Diagnostics, LLC DBA Color Health
Classification: Likely benign for Hereditary cancer-predisposing syndrome. Last evaluated: 2019-07-30. Review status: criteria provided, single submitter. Criteria: ACMG Guidelines, 2015. Collection method: clinical testing. Allele origin: germline. Not counted in ClinVar's aggregate classification.

Ambry Genetics
Classification: Likely benign for Hereditary cancer-predisposing syndrome. Last evaluated: 2015-03-18. Review status: criteria provided, single submitter. Criteria: Ambry Variant Classification Scheme 2023. Collection method: clinical testing. Allele origin: germline. Not counted in ClinVar's aggregate classification.

Breast Cancer Information Core (BIC) (BRCA2)
Classification: Uncertain significance for Breast-ovarian cancer, familial 2. Last evaluated: 2002-06-27. Review status: no assertion criteria provided. Collection method: clinical testing. Allele origin: germline. Affected: yes. Observed: 1 variant allele. Not counted in ClinVar's aggregate classification.

NM_000059.4(BRCA2):c.2337G>T (p.Leu779=)

Gene: BRCA2 (BRCA2 DNA repair associated; plus strand). Cytogenetic location: 13q13.1.
Variant type: single nucleotide variant.
Coding change: c.2337G>T on transcript NM_000059.4 (MANE Select); coding-DNA position 2337, G replaced by T.
Protein change: p.Leu779=; no amino-acid change (leucine 779 retained).
Molecular consequence: synonymous variant.
Genome position (GRCh38, 1-based): chr13:32,336,692, G>T. VCF-style: chr13-32336692-G-T. GRCh37 (hg19) VCF-style: chr13-32910829-G-T.
Other names: L799L.
Identifiers: ClinVar variation 51271 (VCV000051271.11), dbSNP rs80359784, ClinGen allele CA014991.